The following is an entry in ClinVar:

ClinVar aggregate classification (germline): Uncertain significance (1 of 4 stars; one submission).

Conditions:
Familial thoracic aortic aneurysm and aortic dissection (TAAD). Also called: Thoracic aortic aneurysms and dissections. Identifiers: Orphanet 91387, MedGen C4707243, MONDO:0019625.

Allele frequency attached by ClinVar (database versions not stated): gnomAD exomes below 0.00001.

Submission:

Ambry Genetics
Classification: Uncertain significance for Familial thoracic aortic aneurysm and aortic dissection. Last evaluated: 2023-04-03. Review status: criteria provided, single submitter. Criteria: Ambry Variant Classification Scheme 2023. Collection method: clinical testing. Allele origin: germline.
Comment: The p.Q110H variant (also known as c.330G>C), located in coding exon 3 of the MED12 gene, results from a G to C substitution at nucleotide position 330. The glutamine at codon 110 is replaced by histidine, an amino acid with highly similar properties. This amino acid position is conserved. In addition, the in silico prediction for this alteration is inconclusive. Since supporting evidence is limited at this time, the clinical significance of this alteration remains unclear.

NM_005120.3(MED12):c.330G>C (p.Gln110His)

Gene: MED12 (mediator complex subunit 12; plus strand). Cytogenetic location: Xq13.1.
Variant type: single nucleotide variant.
Coding change: c.330G>C on transcript NM_005120.3 (MANE Select); coding-DNA position 330, G replaced by C.
Protein change: p.Gln110His; replaces glutamine 110 with histidine.
Molecular consequence: missense variant.
Genome position (GRCh38, 1-based): chrX:71,119,811, G>C. VCF-style: chrX-71119811-G-C. GRCh37 (hg19) VCF-style: chrX-70339661-G-C.
Other names: short protein forms Q110H.
Identifiers: ClinVar variation 2565280 (VCV002565280.2), dbSNP rs2147773514, ClinGen allele CA413499391.
Genomic context (GRCh38, chrX:71,119,811, plus strand): 5'-TCGCAGGAAGCCCCAAGTGAACCAGAAGGATAACTTCTGGCTGGTGACTGCACGATCCCA[G>C]AGTGCCATTAACACTTGGTTCACTGACTTGGCTGGCACCAAGCCACTCACGCAACTAGCC-3'
Protein context (NP_005111.2, residues 100-120): DNFWLVTARS[Gln110His]SAINTWFTDL